The following is an entry in ClinVar:

NM_005908.4(MANBA):c.63_64del (p.Ser22fs)

Genes: MANBA (mannosidase beta; minus strand), LOC129992886 (ATAC-STARR-seq lymphoblastoid active region 21757; plus strand). Cytogenetic location: 4q24.
Variant type: Deletion.
Coding change: c.63_64del on transcript NM_005908.4 (MANE Select); coding-DNA positions 63 to 64, 2 bases deleted (CA; older notation c.63_64delCA).
Protein change: p.Ser22fs; shifts the reading frame from serine 22.
Molecular consequence: frameshift variant.
Genome position (GRCh38, 1-based): chr4:102,760,831-102,760,832, TG deleted on the plus strand (CA on the coding strand, the reverse complement: MANBA is on the minus strand). VCF-style (leftmost placement, unchanged base first): chr4-102760830-CTG-C. GRCh37 (hg19) VCF-style: chr4-103681987-CTG-C.
Other names: short protein forms S22fs.
Identifiers: ClinVar variation 2142091 (VCV002142091.4), dbSNP rs2477036536, ClinGen allele CA2580071279.

ClinVar aggregate classification (germline): Pathogenic (1 of 4 stars; one submission).

Conditions:
Beta-D-mannosidosis (MANSB). Also called: Beta-Mannosidosis; MANNOSIDOSIS, BETA A, LYSOSOMAL; BETA-MANNOSIDASE DEFICIENCY; LYSOSOMAL BETA-MANNOSIDASE DEFICIENCY. Identifiers: Orphanet 118, MedGen C4048196, MONDO:0009562, OMIM 248510.

Allele frequency attached by ClinVar (database versions not stated): gnomAD exomes below 0.00001.

Submission:

Labcorp Genetics (formerly Invitae), Labcorp
Classification: Pathogenic for Beta-D-mannosidosis. Last evaluated: 2025-10-02. Review status: criteria provided, single submitter. Criteria: Invitae Variant Classification Sherloc (09022015). Collection method: clinical testing. Allele origin: germline.
Comment: This sequence change creates a premature translational stop signal (p.Ser22Leufs*44) in the MANBA gene. It is expected to result in an absent or disrupted protein product. Loss-of-function variants in MANBA are known to be pathogenic (PMID: 9384606, 12468273). This variant is not present in population databases (gnomAD no frequency). This variant has not been reported in the literature in individuals affected with MANBA-related conditions. ClinVar contains an entry for this variant (Variation ID: 2142091). For these reasons, this variant has been classified as Pathogenic.

Literature cited by the submitters: PubMed 9384606; PubMed 12468273.